The following is an entry in ClinVar:

ClinVar aggregate classification (germline): Pathogenic (1 of 4 stars; one submission).

Conditions:
Marfan syndrome (MFS). Also called: Marfan syndrome, classic; Marfan syndrome type 1; Marfan's syndrome; MARFAN SYNDROME, TYPE I; FBN1-Related Marfan Syndrome. Identifiers: Orphanet 284963, Orphanet 558, MedGen C0024796, MONDO:0007947, OMIM 154700.

Submission:

Labcorp Genetics (formerly Invitae), Labcorp
Classification: Pathogenic for Marfan syndrome. Last evaluated: 2016-09-20. Review status: criteria provided, single submitter. Criteria: Invitae Variant Classification Sherloc (09022015). Collection method: clinical testing. Allele origin: germline.
Comment: This sequence change deletes two nucleotides and inserts one nucleotide in exon 16 of the FBN1 mRNA (c.1888_1889delinsC), causing a frameshift at codon 630 This creates a premature translational stop signal (p.Asn630Thrfs*88) and is expected to result in an absent or disrupted protein product. Loss-of-function variants in FBN1 are known to be pathogenic. This particular variant has been reported in the literature in an individual with Marfan syndrome (PMID: 12068374). For these reasons, this variant has been classified as Pathogenic.

NC_000015.10:g.48505096_48505097delinsG

Gene: FBN1 (fibrillin 1; minus strand). Cytogenetic location: 15q21.1.
Variant type: Indel.
Genome position: GRCh38 VCF-style: chr15-48505096-TT-G. GRCh37 (hg19) VCF-style: chr15-48797293-TT-G.
Other names: c.1888_1889delinsC, p.Asn630fs (LRG_778t1).
Identifiers: ClinVar variation 406320 (VCV000406320.1), dbSNP rs1060501058, ClinGen allele CA16614669.